The following is an entry in ClinVar:

NM_001042492.3(NF1):c.6329T>A (p.Leu2110Ter)

Gene: NF1 (neurofibromin 1; plus strand). Cytogenetic location: 17q11.2.
Variant type: single nucleotide variant.
Coding change: c.6329T>A on transcript NM_001042492.3 (MANE Select); coding-DNA position 6329, T replaced by A.
Protein change: p.Leu2110Ter; replaces leucine 2110 with a stop codon.
Molecular consequence: nonsense.
Genome position (GRCh38, 1-based): chr17:31,336,816, T>A. VCF-style: chr17-31336816-T-A. GRCh37 (hg19) VCF-style: chr17-29663834-T-A.
Other names: c.6266T>A, p.Leu2089Ter (NM_000267.4); short protein forms L2089*, L2110*.
Identifiers: ClinVar variation 2115054 (VCV002115054.4), dbSNP rs2151554842, ClinGen allele CA399012746.

ClinVar aggregate classification (germline): Pathogenic (1 of 4 stars; one submission).

Conditions:
Neurofibromatosis, type 1 (NF1). Also called: NEUROFIBROMATOSIS, TYPE I, SOMATIC; Neurofibromatosis, type I; Peripheral type neurofibromatosis; VON RECKLINGHAUSEN DISEASE. Identifiers: Orphanet 636, MedGen C0027831, MONDO:0018975, OMIM 162200. Disease mechanism: loss of function.

Submission:

Labcorp Genetics (formerly Invitae), Labcorp
Classification: Pathogenic for Neurofibromatosis, type 1. Last evaluated: 2022-03-20. Review status: criteria provided, single submitter. Criteria: Invitae Variant Classification Sherloc (09022015). Collection method: clinical testing. Allele origin: germline.
Comment: This sequence change creates a premature translational stop signal (p.Leu2089*) in the NF1 gene. It is expected to result in an absent or disrupted protein product. Loss-of-function variants in NF1 are known to be pathogenic (PMID: 10712197, 23913538). This variant is not present in population databases (gnomAD no frequency). This premature translational stop signal has been observed in individual(s) with neurofibromatosis type 1 (PMID: 23668869). For these reasons, this variant has been classified as Pathogenic.

Literature cited by the submitters: PubMed 10712197; PubMed 23913538; PubMed 23668869.